The following is an entry in ClinVar:

NM_006147.4(IRF6):c.777G>A (p.Met259Ile)

Gene: IRF6 (interferon regulatory factor 6; minus strand). Cytogenetic location: 1q32.2.
Variant type: single nucleotide variant.
Coding change: c.777G>A on transcript NM_006147.4 (MANE Select); coding-DNA position 777, G replaced by A.
Protein change: p.Met259Ile; replaces methionine 259 with isoleucine.
Molecular consequence: missense variant.
Genome position (GRCh38, 1-based): chr1:209,790,778, C>T on the plus strand (G>A on the coding strand, the complement: IRF6 is on the minus strand). VCF-style: chr1-209790778-C-T. GRCh37 (hg19) VCF-style: chr1-209964123-C-T.
Other names: c.492G>A, p.Met164Ile (NM_001206696.2); c.777G>A (NM_006147.3); short protein forms M164I, M259I.
Identifiers: ClinVar variation 2059037 (VCV002059037.7), dbSNP rs145682768, ClinGen allele CA1377248.

ClinVar aggregate classification (germline): Likely benign. Review status: criteria provided, multiple submitters, no conflicts (2 of 4 stars). 3 submissions from 3 submitters: Likely benign (2). 1 of the submissions does not count toward it. Last evaluated 2025-11-20.

Conditions:
Popliteal pterygium syndrome (PPS). Identifiers: Orphanet 294963, MedGen C0265259, MONDO:0017435.
Van der Woude syndrome. Identifiers: Orphanet 888, MedGen C0175697, MONDO:0019508.
Orofacial cleft 6, susceptibility to (OFC6). Also called: CLEFT LIP WITH OR WITHOUT CLEFT PALATE, NONSYNDROMIC, 6. Identifiers: MedGen C1837213, MONDO:0012141, OMIM 608864.
IRF6-related condition. Also called: IRF6-Related Disorders; IRF6-related disorder. Identifiers: MedGen CN378148, MONDO:1040010.

Allele frequency attached by ClinVar (database versions not stated): gnomAD exomes 0.00022; TOPMed 0.00022; ESP Exome Variant Server 0.00023; ExAC 0.00028; gnomAD 0.00029.
gnomAD v4.1: 373 of 1,614,226 alleles (0.023%); highest among the groups gnomAD compares: Middle Eastern, 0.099%; no homozygotes.

Submissions (3):

Labcorp Genetics (formerly Invitae), Labcorp
Classification: Likely benign for Orofacial cleft 6, susceptibility to; Van der Woude syndrome; Popliteal pterygium syndrome. Last evaluated: 2025-11-20. Review status: criteria provided, single submitter. Criteria: Invitae Variant Classification Sherloc (09022015). Collection method: clinical testing. Allele origin: germline.

Laboratory of Genetics, Children's Clinical University Hospital Latvia
Classification: Likely benign. Last evaluated: 2025-02-16. Review status: criteria provided, single submitter. Criteria: ACMG Guidelines, 2015. Collection method: clinical testing. Allele origin: germline. Affected: yes.

PreventionGenetics, part of Exact Sciences
Classification: Likely benign for IRF6-related condition. Last evaluated: 2023-12-21. Review status: no assertion criteria provided. Collection method: clinical testing. Allele origin: germline. Not counted in ClinVar's aggregate classification.
Comment: This variant is classified as likely benign based on ACMG/AMP sequence variant interpretation guidelines (Richards et al. 2015 PMID: 25741868, with internal and published modifications).